The following is an entry in ClinVar:

ClinVar aggregate classification (germline): Conflicting classifications of pathogenicity. Review status: criteria provided, conflicting classifications (1 of 4 stars). 3 submissions from 3 submitters: Uncertain significance (1); Benign (1); Likely benign (1). Last evaluated 2024-03-28.

Conditions:
Hereditary cancer-predisposing syndrome. Also called: Hereditary Cancer Syndrome; Neoplastic Syndromes, Hereditary; Tumor predisposition; Hereditary neoplastic syndrome. Identifiers: Orphanet 140162, MedGen C0027672, MeSH D009386, MONDO:0015356.
Classic or attenuated familial adenomatous polyposis. Identifiers: MedGen CN372698, MONDO:0021057.
Familial adenomatous polyposis 1 (FAP1). Also called: FAMILIAL ADENOMATOUS POLYPOSIS 1, ATTENUATED; POLYPOSIS, ADENOMATOUS INTESTINAL. Identifiers: MedGen C2713442, MONDO:0021056, OMIM 175100. Disease mechanism: loss of function.

Submissions (3):

Myriad Genetics, Inc.
Classification: Benign for Familial adenomatous polyposis 1. Last evaluated: 2024-03-28. Review status: criteria provided, single submitter. Criteria: Myriad Autosomal Dominant, Autosomal Recessive and X-Linked Classification Criteria (2023). Collection method: clinical testing. Allele origin: unknown.
Comment: This variant is considered benign. This variant is a silent/synonymous amino acid change and it is not expected to impact splicing.

All of Us Research Program, National Institutes of Health
Classification: Uncertain significance for Classic or attenuated familial adenomatous polyposis. Last evaluated: 2023-08-28. Review status: criteria provided, single submitter. Criteria: ACMG Guidelines, 2015. Collection method: clinical testing. Allele origin: germline. Inheritance: Autosomal dominant inheritance. Observed: 1 variant allele, 1 heterozygote.
Comment: This variant is located in the APC protein. To our knowledge, functional studies have not been reported for this variant. This variant has not been reported in individuals affected with APC-related disorders in the literature. This variant has not been identified in the general population by the Genome Aggregation Database (gnomAD). The available evidence is insufficient to determine the role of this variant in disease conclusively. Therefore, this variant is classified as a Variant of Uncertain Significance.

This study involves interpretation of variants in research participants for the purpose of population health screening. Participant phenotype was not available at the time of variant classification. Additional details can be found in publication PMID: 35346344, PMCID: PMC8962531

Ambry Genetics
Classification: Likely benign for Hereditary cancer-predisposing syndrome. Last evaluated: 2021-01-31. Review status: criteria provided, single submitter. Criteria: Ambry Variant Classification Scheme 2023. Collection method: clinical testing. Allele origin: germline.

NM_000038.6(APC):c.4854A>C (p.Leu1618=)

Gene: APC (APC regulator of Wnt signaling pathway; plus strand). Cytogenetic location: 5q22.2.
Variant type: single nucleotide variant.
Coding change: c.4854A>C on transcript NM_000038.6 (MANE Select); coding-DNA position 4854, A replaced by C.
Protein change: p.Leu1618=; no amino-acid change (leucine 1618 retained).
Molecular consequence: synonymous variant. On other transcripts: non-coding transcript variant (2).
Genome position (GRCh38, 1-based): chr5:112,840,448, A>C. VCF-style: chr5-112840448-A-C. GRCh37 (hg19) VCF-style: chr5-112176145-A-C.
Other names: c.4854A>C, p.Leu1618= (NM_001127510.3, NM_001354895.2, NM_001407450.1); c.4800A>C, p.Leu1600= (NM_001127511.3); c.4908A>C, p.Leu1636= (NM_001354896.2, NM_001407447.1, NM_001407448.1 and 1 more transcripts); c.4884A>C, p.Leu1628= (NM_001354897.2); c.4779A>C, p.Leu1593= (NM_001354898.2); c.4770A>C, p.Leu1590= (NM_001354899.2); c.4731A>C, p.Leu1577= (NM_001354900.2); c.4677A>C, p.Leu1559= (NM_001354901.2, NM_001407453.1); and 11 more.
Identifiers: ClinVar variation 1743589 (VCV001743589.3), dbSNP rs377666490, ClinGen allele CA446208090.